The following is an entry in ClinVar:

NM_144773.4(PROKR2):c.512C>A (p.Ser171Tyr)

Gene: PROKR2 (prokineticin receptor 2; minus strand). Cytogenetic location: 20p12.3.
Variant type: single nucleotide variant.
Coding change: c.512C>A on transcript NM_144773.4 (MANE Select); coding-DNA position 512, C replaced by A.
Protein change: p.Ser171Tyr; replaces serine 171 with tyrosine.
Molecular consequence: missense variant.
Genome position (GRCh38, 1-based): chr20:5,302,683, G>T on the plus strand (C>A on the coding strand, the complement: PROKR2 is on the minus strand). VCF-style: chr20-5302683-G-T. GRCh37 (hg19) VCF-style: chr20-5283329-G-T.
Other names: short protein forms S171Y.
Identifiers: ClinVar variation 4741937 (VCV004741937.1).

ClinVar aggregate classification (germline): Uncertain significance (1 of 4 stars; one submission).

Submission:

Labcorp Genetics (formerly Invitae), Labcorp
Classification: Uncertain significance. Last evaluated: 2025-05-03. Review status: criteria provided, single submitter. Criteria: Invitae Variant Classification Sherloc (09022015). Collection method: clinical testing. Allele origin: germline.
Comment: This sequence change replaces serine, which is neutral and polar, with tyrosine, which is neutral and polar, at codon 171 of the PROKR2 protein (p.Ser171Tyr). This variant is not present in population databases (gnomAD no frequency). This variant has not been reported in the literature in individuals affected with PROKR2-related conditions. Invitae Evidence Modeling of protein sequence and biophysical properties (such as structural, functional, and spatial information, amino acid conservation, physicochemical variation, residue mobility, and thermodynamic stability) indicates that this missense variant is not expected to disrupt PROKR2 protein function with a negative predictive value of 80%. In summary, the available evidence is currently insufficient to determine the role of this variant in disease. Therefore, it has been classified as a Variant of Uncertain Significance.